The following is an entry in ClinVar:

ClinVar aggregate classification (germline): Uncertain significance (1 of 4 stars; one submission).

Conditions:
PKD1L1-related disorder. Also called: PKD1L1-related condition.

Submission:

PreventionGenetics, part of Exact Sciences
Classification: Uncertain significance for PKD1L1-related condition. Last evaluated: 2026-03-26. Review status: criteria provided, single submitter. Criteria: ACMG Guidelines, 2015. Collection method: clinical testing. Allele origin: germline.
Comment: The PKD1L1 c.6966-9T>G variant is predicted to interfere with splicing. To our knowledge, this variant has not been reported in the literature or in a large population database (gnomAD), indicating this variant is rare. This variant is predicted to impact splicing based on available splicing prediction programs (SpliceAI, Jaganathan et al. 2019. PubMed ID: 30661751). At this time, the clinical significance of this variant is uncertain due to the absence of conclusive functional and genetic evidence.

NM_138295.5(PKD1L1):c.6966-9T>G

Genes: PKD1L1 (polycystin 1 like 1, transient receptor potential channel interacting; minus strand), PKD1L1-AS1 (PKD1L1 antisense RNA 1; plus strand). Cytogenetic location: 7p12.3.
Variant type: single nucleotide variant.
Coding change: c.6966-9T>G on transcript NM_138295.5 (MANE Select); 9 bases into the intron before coding-DNA position 6966, T replaced by G.
Molecular consequence: intron variant.
Genome position (GRCh38, 1-based): chr7:47,815,466, A>C on the plus strand (T>G on the coding strand, the complement: PKD1L1 is on the minus strand). VCF-style: chr7-47815466-A-C. GRCh37 (hg19) VCF-style: chr7-47855064-A-C.
Identifiers: ClinVar variation 4987924 (VCV004987924.1).
Genomic context (GRCh38, chr7:47,815,466, plus strand): 5'-GTCCCACCAGTCAGCGATGTTTCTCAGGCCACCCAAGCAGTTTCTGGCATTTCTTAATGC[A>C]AGAACAAAAATAAAAAGTTGCTTCTGCATCAACAAGAACAATGAAACGTGAGAACAAAAG-3'